The following is an entry in ClinVar:

NM_004984.4(KIF5A):c.2957C>T (p.Pro986Leu)

Gene: KIF5A (kinesin family member 5A; plus strand). Cytogenetic location: 12q13.3.
Variant type: single nucleotide variant.
Coding change: c.2957C>T on transcript NM_004984.4 (MANE Select); coding-DNA position 2957, C replaced by T.
Protein change: p.Pro986Leu; replaces proline 986 with leucine.
Molecular consequence: missense variant.
Genome position (GRCh38, 1-based): chr12:57,581,917, C>T. VCF-style: chr12-57581917-C-T. GRCh37 (hg19) VCF-style: chr12-57975700-C-T.
Other names: p.Pro986Leu; c.2690C>T, p.Pro897Leu (NM_001354705.2); short protein forms P986L, P897L.
Identifiers: ClinVar variation 240087 (VCV000240087.69), dbSNP rs113247976, ClinGen allele CA6653261.
Genomic context (GRCh38, chr12:57,581,917, plus strand): 5'-CTGCTCCATCCAGCTTTGCAAACTCCTGTACCAGCAGTGGAGCCACATCTTCTGGCGGCC[C>T]CTTGGCTTCCTACCAGAAGGCCAACATGGACAATGGTGAGTGAAAAAGATGGGTAATCCC-3'
Protein context (NP_004975.2, residues 976-996): TSSGATSSGG[Pro986Leu]LASYQKANMD

ClinVar aggregate classification (germline): Conflicting classifications of pathogenicity. Review status: criteria provided, conflicting classifications (1 of 4 stars). 13 submissions from 13 submitters: Uncertain significance (1); Benign (8); Likely benign (2). 2 of the submissions do not count toward it. Last evaluated 2026-09-01.

Conditions:
Spastic paraplegia. Identifiers: MedGen C0037772, HP:0001258.
Amyotrophic lateral sclerosis (ALS). Also called: Lou Gehrig disease; Charcot disease. Identifiers: Orphanet 803, MedGen C0002736, MONDO:0004976, HP:0007354.
Hereditary spastic paraplegia. Also called: Familial spastic paraparesis. Identifiers: Orphanet 685, MedGen C0037773, MONDO:0019064. Disease mechanism: loss of function.
Hereditary spastic paraplegia 10 (SPG10). Also called: SPASTIC PARAPLEGIA 10, AUTOSOMAL DOMINANT; SPASTIC PARAPLEGIA 10 WITH OR WITHOUT PERIPHERAL NEUROPATHY; SPASTIC PARAPLEGIA 10 WITH PERIPHERAL NEUROPATHY. Identifiers: Orphanet 100991, MedGen C1858712, MONDO:0011408, OMIM 604187.

Allele frequency attached by ClinVar (database versions not stated): 1000 Genomes Project 30x 0.00640; 1000 Genomes Project 0.00679; TOPMed 0.00869; ESP Exome Variant Server 0.01015; gnomAD 0.01241.
gnomAD v4.1: 19,694 of 1,614,014 alleles (1.2%); highest among the groups gnomAD compares: Non-Finnish European, 1.4%; 146 homozygotes.

Submissions (13):

CeGaT Center for Human Genetics Tuebingen
Classification: Benign. Last evaluated: 2026-09-01. Review status: criteria provided, single submitter. Criteria: CeGaT Center For Human Genetics Tuebingen Variant Classification Criteria Version 2. Collection method: clinical testing. Allele origin: germline. Affected: yes. Observed: 104 variant alleles.
Comment: KIF5A: BP4, BS1, BS2

Labcorp Genetics (formerly Invitae), Labcorp
Classification: Benign for Spastic paraplegia. Last evaluated: 2026-02-03. Review status: criteria provided, single submitter. Criteria: Invitae Variant Classification Sherloc (09022015). Collection method: clinical testing. Allele origin: germline.

ARUP Laboratories, Molecular Genetics and Genomics, ARUP Laboratories
Classification: Benign. Last evaluated: 2025-05-21. Review status: criteria provided, single submitter. Criteria: ARUP Molecular Germline Variant Investigation Process 2024. Collection method: clinical testing. Allele origin: germline.

Blueprint Genetics
Classification: Likely benign. Last evaluated: 2024-11-27. Review status: criteria provided, single submitter. Criteria: ACMG Guidelines, 2015. Collection method: clinical testing. Allele origin: germline.

Genome Diagnostics Laboratory, The Hospital for Sick Children
Classification: Benign for Hereditary spastic paraplegia. Last evaluated: 2021-11-15. Review status: criteria provided, single submitter. Criteria: ACMG Guidelines, 2015. Collection method: clinical testing. Allele origin: germline. Affected: yes.

UM ALS/MND Lab, University Of Malta
Classification: Uncertain significance for Amyotrophic lateral sclerosis. Last evaluated: 2020-09-09. Review status: criteria provided, single submitter. Criteria: ACMG Guidelines, 2015. Collection method: case-control. Allele origin: unknown. Affected: yes. Observed: 1 variant allele.
Comment: Single heterozygote

Illumina Laboratory Services, Illumina
Classification: Benign for Hereditary spastic paraplegia 10. Last evaluated: 2018-01-13. Review status: criteria provided, single submitter. Criteria: ICSL Variant Classification Criteria 13 December 2019. Collection method: clinical testing. Allele origin: germline.
Comment: This variant was observed in the ICSL laboratory as part of a predisposition screen in an ostensibly healthy population. It had not been previously curated by ICSL or reported in the Human Gene Mutation Database (HGMD: prior to June 1st, 2018), and was therefore a candidate for classification through an automated scoring system. Utilizing variant allele frequency, disease prevalence and penetrance estimates, and inheritance mode, an automated score was calculated to assess if this variant is too frequent to cause the disease. Based on the score and internal cut-off values, a variant classified as benign is not then subjected to further curation. The score for this variant resulted in a classification of benign for this disease.

Athena Diagnostics
Classification: Benign. Last evaluated: 2017-12-12. Review status: criteria provided, single submitter. Criteria: Athena Diagnostics Criteria. Collection method: clinical testing. Allele origin: germline.

Mayo Clinic Laboratories, Mayo Clinic
Classification: Benign. Last evaluated: 2016-04-21. Review status: criteria provided, single submitter. Criteria: ACMG Guidelines, 2015. Collection method: clinical testing. Allele origin: germline. Observed: 82 variant alleles.

GeneDx
Classification: Benign. Last evaluated: 2016-03-16. Review status: criteria provided, single submitter. Criteria: GeneDx Variant Classification (06012015). Collection method: clinical testing. Allele origin: germline. Affected: yes.
Comment: This variant is considered likely benign or benign based on one or more of the following criteria: it is a conservative change, it occurs at a poorly conserved position in the protein, it is predicted to be benign by multiple in silico algorithms, and/or has population frequency not consistent with disease.

Genome Diagnostics Laboratory, University Medical Center Utrecht
Classification: Likely benign for Hereditary spastic paraplegia 10. Last evaluated: 2014-10-09. Review status: criteria provided, single submitter. Criteria: ACGS Guidelines, 2013. Collection method: clinical testing. Allele origin: germline. Affected: yes. Study: VKGL Data-share Consensus.

Clinical Genetics, Academic Medical Center
Classification: Benign. Review status: no assertion criteria provided. Collection method: clinical testing. Allele origin: germline. Affected: yes. Study: VKGL Data-share Consensus. Not counted in ClinVar's aggregate classification.

Joint Genome Diagnostic Labs from Nijmegen and Maastricht, Radboudumc and MUMC+
Classification: Benign. Review status: no assertion criteria provided. Collection method: clinical testing. Allele origin: germline. Affected: yes. Study: VKGL Data-share Consensus. Not counted in ClinVar's aggregate classification.